The following is an entry in ClinVar:

ClinVar aggregate classification (germline): Uncertain significance (1 of 4 stars; one submission).

Conditions:
Carnitine palmitoyl transferase 1A deficiency. Also called: Carnitine palmitoyltransferase 1A deficiency; Carnitine palmitoyltransferase type I deficiency; CPT deficiency, hepatic, type IA; CPT I DEFICIENCY; CPT DEFICIENCY, HEPATIC, TYPE I. Identifiers: Orphanet 156, MedGen C1829703, MONDO:0009705, OMIM 255120.

Allele frequency attached by ClinVar (database versions not stated): gnomAD exomes below 0.00001.
gnomAD v4.1: 1 of 1,614,114 alleles (0.000062%); highest among the groups gnomAD compares: Non-Finnish European, 0.000085%; no homozygotes.

Submission:

Labcorp Genetics (formerly Invitae), Labcorp
Classification: Uncertain significance for Carnitine palmitoyl transferase 1A deficiency. Last evaluated: 2019-05-20. Review status: criteria provided, single submitter. Criteria: Invitae Variant Classification Sherloc (09022015). Collection method: clinical testing. Allele origin: germline.
Comment: In summary, the available evidence is currently insufficient to determine the role of this variant in disease. Therefore, it has been classified as a Variant of Uncertain Significance. Algorithms developed to predict the effect of missense changes on protein structure and function are either unavailable or do not agree on the potential impact of this missense change (SIFT: "Deleterious"; PolyPhen-2: "Probably Damaging"; Align-GVGD: "Class C0"). This variant has not been reported in the literature in individuals with CPT1A-related conditions. This variant is not present in population databases (ExAC no frequency). This sequence change replaces leucine with proline at codon 657 of the CPT1A protein (p.Leu657Pro). The leucine residue is highly conserved and there is a moderate physicochemical difference between leucine and proline.

NM_001876.4(CPT1A):c.1970T>C (p.Leu657Pro)

Gene: CPT1A (carnitine palmitoyltransferase 1A; minus strand). Cytogenetic location: 11q13.3.
Variant type: single nucleotide variant.
Coding change: c.1970T>C on transcript NM_001876.4 (MANE Select); coding-DNA position 1970, T replaced by C.
Protein change: p.Leu657Pro; replaces leucine 657 with proline.
Molecular consequence: missense variant.
Genome position (GRCh38, 1-based): chr11:68,761,593, A>G on the plus strand (T>C on the coding strand, the complement: CPT1A is on the minus strand). VCF-style: chr11-68761593-A-G. GRCh37 (hg19) VCF-style: chr11-68529061-A-G.
Other names: c.1970T>C, p.Leu657Pro (NM_001031847.3); short protein forms L657P.
Identifiers: ClinVar variation 864828 (VCV000864828.9), dbSNP rs1854618343, ClinGen allele CA381626655.
Genomic context (GRCh38, chr11:68,761,593, plus strand): 5'-ACTTCCTTAAGGAAAGGGGACTCCACAGCGAGATATTTAGACACCACGTAAAGGCAGAAG[A>G]GGTGACGATCGATCCCAGAGCCGGTCATGGCGAGGCGATACATATGCTGATGCTTCTCAG-3'
Protein context (NP_001867.2, residues 647-667): AMTGSGIDRH[Leu657Pro]FCLYVVSKYL